The following is an entry in ClinVar:

NM_001128178.3(NPHP1):c.1530-10del

Gene: NPHP1 (nephrocystin 1; minus strand). Cytogenetic location: 2q13.
Variant type: Deletion.
Coding change: c.1530-10del on transcript NM_001128178.3 (MANE Select); 10 bases into the intron before coding-DNA position 1530, one base deleted (T; older notation c.1530-10delT).
Molecular consequence: intron variant.
Genome position (GRCh38, 1-based): chr2:110,131,801, A deleted on the plus strand (T on the coding strand, the reverse complement: NPHP1 is on the minus strand); the first of 2 consecutive A bases (chr2:110,131,801-110,131,802); deleting either gives the same sequence. VCF-style (leftmost placement, unchanged base first): chr2-110131800-GA-G. GRCh37 (hg19) VCF-style: chr2-110889377-GA-G.
Other names: c.1698-10del (NM_000272.3, NM_000272.5); c.1341-10del (NM_001128179.3); c.1527-10del (NM_001374256.1); c.1530-10del (NM_001374257.1); c.1695-10del (NM_207181.4).
Identifiers: ClinVar variation 462707 (VCV000462707.18), dbSNP rs779032904, ClinGen allele CA1826978.

ClinVar aggregate classification (germline): Conflicting classifications of pathogenicity. Review status: criteria provided, conflicting classifications (1 of 4 stars). 4 submissions from 4 submitters: Uncertain significance (1); Likely benign (2). 1 of the submissions does not count toward it. Last evaluated 2025-12-30.

Conditions:
Nephronophthisis. Also called: Juvenile Nephronophthisis. Identifiers: Orphanet 655, MedGen C0687120, MONDO:0019005, HP:0000090.
NPHP1-related disorder. Also called: NPHP1-related disorders; NPHP1-related condition.

Submissions (4):

Labcorp Genetics (formerly Invitae), Labcorp
Classification: Likely benign for Nephronophthisis. Last evaluated: 2025-12-30. Review status: criteria provided, single submitter. Criteria: Invitae Variant Classification Sherloc (09022015). Collection method: clinical testing. Allele origin: germline.

Blueprint Genetics
Classification: Likely benign. Last evaluated: 2022-09-13. Review status: criteria provided, single submitter. Criteria: ACMG Guidelines, 2015. Collection method: clinical testing. Allele origin: germline.

Eurofins Ntd Llc (ga)
Classification: Uncertain significance. Last evaluated: 2018-06-05. Review status: criteria provided, single submitter. Criteria: EGL ClinVar v180209 classification definitions. Collection method: clinical testing. Allele origin: germline. Observed: 1 variant allele, 1 heterozygote.

PreventionGenetics, part of Exact Sciences
Classification: Likely benign for NPHP1-related condition. Last evaluated: 2020-04-03. Review status: no assertion criteria provided. Collection method: clinical testing. Allele origin: germline. Not counted in ClinVar's aggregate classification.
Comment: This variant is classified as likely benign based on ACMG/AMP sequence variant interpretation guidelines (Richards et al. 2015 PMID: 25741868, with internal and published modifications).